The following is an entry in ClinVar:

NM_001041.4(SI):c.937_941del (p.Val312_Thr313insTer)

Gene: SI (sucrase-isomaltase; minus strand). Cytogenetic location: 3q26.1.
Variant type: Deletion.
Coding change: c.937_941del on transcript NM_001041.4 (MANE Select); coding-DNA positions 937 to 941, 5 bases deleted (ACATA; older notation c.937_941delACATA).
Protein change: p.Val312_Thr313insTer.
Molecular consequence: nonsense.
Genome position (GRCh38, 1-based): chr3:165,062,450-165,062,454, TATGT deleted on the plus strand (ACATA on the coding strand, the reverse complement: SI is on the minus strand); deleting any 5 consecutive bases within chr3:165,062,450-165,062,456 gives the same sequence; the c. name uses the placement nearest the transcript's 3' end. VCF-style (leftmost placement, unchanged base first): chr3-165062449-ATATGT-A. GRCh37 (hg19) VCF-style: chr3-164780237-ATATGT-A.
Identifiers: ClinVar variation 4724657 (VCV004724657.1).

ClinVar aggregate classification (germline): Pathogenic (1 of 4 stars; one submission).

Submission:

Labcorp Genetics (formerly Invitae), Labcorp
Classification: Pathogenic. Last evaluated: 2025-08-12. Review status: criteria provided, single submitter. Criteria: Invitae Variant Classification Sherloc (09022015). Collection method: clinical testing. Allele origin: germline.
Comment: This sequence change creates a premature translational stop signal (p.Thr313*) in the SI gene. It is expected to result in an absent or disrupted protein product. Loss-of-function variants in SI are known to be pathogenic (PMID: 16329100, 23103650, 25452324). This variant is not present in population databases (gnomAD no frequency). This variant has not been reported in the literature in individuals affected with SI-related conditions. For these reasons, this variant has been classified as Pathogenic.

Literature cited by the submitters: PubMed 16329100; PubMed 23103650; PubMed 25452324.